The following is an entry in ClinVar:

NM_001367624.2(ZNF469):c.3107C>A (p.Pro1036His)

Gene: ZNF469 (zinc finger protein 469; plus strand). Cytogenetic location: 16q24.2.
Variant type: single nucleotide variant.
Coding change: c.3107C>A on transcript NM_001367624.2 (MANE Select); coding-DNA position 3107, C replaced by A.
Protein change: p.Pro1036His; replaces proline 1036 with histidine.
Molecular consequence: missense variant.
Genome position (GRCh38, 1-based): chr16:88,430,577, C>A. VCF-style: chr16-88430577-C-A. GRCh37 (hg19) VCF-style: chr16-88496985-C-A.
Other names: NM_001127464.1:c.3107C>A; short protein forms P1036H.
Identifiers: ClinVar variation 2007316 (VCV002007316.5), dbSNP rs2507581835, ClinGen allele CA397077472.

ClinVar aggregate classification (germline): Uncertain significance. Review status: criteria provided, multiple submitters, no conflicts (2 of 4 stars). 2 submissions from 2 submitters: Uncertain significance (2). Last evaluated 2025-05-06.

Conditions:
Cardiovascular phenotype. Identifiers: MedGen CN230736.

Submissions (2):

Ambry Genetics
Classification: Uncertain significance for Cardiovascular phenotype. Last evaluated: 2025-05-06. Review status: criteria provided, single submitter. Criteria: Ambry Variant Classification Scheme 2023. Collection method: clinical testing. Allele origin: germline.
Comment: The p.P1036H variant (also known as c.3107C>A), located in coding exon 1 of the ZNF469 gene, results from a C to A substitution at nucleotide position 3107. The proline at codon 1036 is replaced by histidine, an amino acid with similar properties. This amino acid position is conserved. In addition, this alteration is predicted to be tolerated by in silico analysis. Based on the available evidence, the clinical significance of this variant remains unclear.

Labcorp Genetics (formerly Invitae), Labcorp
Classification: Uncertain significance. Last evaluated: 2022-06-15. Review status: criteria provided, single submitter. Criteria: Invitae Variant Classification Sherloc (09022015). Collection method: clinical testing. Allele origin: germline.
Comment: In summary, the available evidence is currently insufficient to determine the role of this variant in disease. Therefore, it has been classified as a Variant of Uncertain Significance. Algorithms developed to predict the effect of missense changes on protein structure and function are either unavailable or do not agree on the potential impact of this missense change (SIFT: "Deleterious"; PolyPhen-2: "Benign"; Align-GVGD: "Class C0"). This variant has not been reported in the literature in individuals affected with ZNF469-related conditions. This variant is not present in population databases (gnomAD no frequency). This sequence change replaces proline, which is neutral and non-polar, with histidine, which is basic and polar, at codon 1036 of the ZNF469 protein (p.Pro1036His).